The following is an entry in ClinVar:

ClinVar aggregate classification (germline): Uncertain significance (1 of 4 stars; one submission).

Conditions:
Townes syndrome (TBS). Also called: Townes-Brocks syndrome. Identifiers: Orphanet 857, MedGen C0265246, MeSH C536974, MONDO:0007142.

Allele frequency attached by ClinVar (database versions not stated): ExAC 0.00001; gnomAD exomes 0.00001; TOPMed 0.00002; gnomAD 0.00003; ESP Exome Variant Server 0.00008.

Submission:

Labcorp Genetics (formerly Invitae), Labcorp
Classification: Uncertain significance for Townes syndrome. Last evaluated: 2025-10-21. Review status: criteria provided, single submitter. Criteria: Invitae Variant Classification Sherloc (09022015). Collection method: clinical testing. Allele origin: germline.
Comment: This sequence change replaces aspartic acid, which is acidic and polar, with glycine, which is neutral and non-polar, at codon 800 of the SALL1 protein (p.Asp800Gly). This variant is present in population databases (rs372655572, gnomAD 0.002%). This variant has not been reported in the literature in individuals affected with SALL1-related conditions. Invitae Evidence Modeling of protein sequence and biophysical properties (such as structural, functional, and spatial information, amino acid conservation, physicochemical variation, residue mobility, and thermodynamic stability) has been performed for this missense variant. However, the output from this modeling did not meet the statistical confidence thresholds required to predict the impact of this variant on SALL1 protein function. In summary, the available evidence is currently insufficient to determine the role of this variant in disease. Therefore, it has been classified as a Variant of Uncertain Significance.

NM_002968.3(SALL1):c.2399A>G (p.Asp800Gly)

Gene: SALL1 (spalt like transcription factor 1; minus strand). Cytogenetic location: 16q12.1.
Variant type: single nucleotide variant.
Coding change: c.2399A>G on transcript NM_002968.3 (MANE Select); coding-DNA position 2399, A replaced by G.
Protein change: p.Asp800Gly; replaces aspartic acid 800 with glycine.
Molecular consequence: missense variant.
Genome position (GRCh38, 1-based): chr16:51,139,823, T>C on the plus strand (A>G on the coding strand, the complement: SALL1 is on the minus strand). VCF-style: chr16-51139823-T-C. GRCh37 (hg19) VCF-style: chr16-51173734-T-C.
Other names: c.2108A>G, p.Asp703Gly (NM_001127892.2); short protein forms D800G, D703G.
Identifiers: ClinVar variation 4753439 (VCV004753439.1), dbSNP rs372655572.